The following is an entry in ClinVar:

NM_014251.3(SLC25A13):c.605_608dup (p.Val204fs)

Gene: SLC25A13 (solute carrier family 25 member 13; minus strand). Cytogenetic location: 7q21.3.
Variant type: Duplication.
Coding change: c.605_608dup on transcript NM_014251.3 (MANE Select); coding-DNA positions 605 to 608, 4 bases duplicated (GTCT; older notation c.605_608dupGTCT).
Protein change: p.Val204fs; shifts the reading frame from valine 204.
Molecular consequence: frameshift variant. On other transcripts: non-coding transcript variant (1).
Genome position (GRCh38, 1-based): chr7:96,193,044-96,193,047, AGAC duplicated on the plus strand (GTCT on the coding strand, the reverse complement: SLC25A13 is on the minus strand); duplicating any 4 consecutive bases within chr7:96,193,044-96,193,048 gives the same sequence; the c. name uses the placement nearest the transcript's 3' end. VCF-style (leftmost placement, unchanged base first): chr7-96193043-T-TAGAC. GRCh37 (hg19) VCF-style: chr7-95822355-T-TAGAC.
Other names: c.605_608dup, p.Val204fs (NM_001160210.2); short protein forms V204fs.
Identifiers: ClinVar variation 1458046 (VCV001458046.8), dbSNP rs762941850, ClinGen allele CA4353219.

ClinVar aggregate classification (germline): Pathogenic/Likely pathogenic. Review status: criteria provided, multiple submitters, no conflicts (2 of 4 stars). 3 submissions from 3 submitters: Pathogenic (1); Likely pathogenic (2). Last evaluated 2024-02-02.

Conditions:
Citrin deficiency. Identifiers: Orphanet 247582, MedGen C1997910, MONDO:0016602.
Citrullinemia, type II, adult-onset (CDAA). Also called: CITRIN DEFICIENCY, ADOLESCENT OR ADULT ONSET. Identifiers: Orphanet 247585, MedGen CN295299, MONDO:0011326, OMIM 603471.
Neonatal intrahepatic cholestasis due to citrin deficiency (CDNI). Also called: Neonatal-onset citrullinemia type II; Neonatal-onset citrullinemia type 2; CITRIN DEFICIENCY, NEONATAL OR INFANTILE ONSET; Neonatal Intrahepatic Cholestasis Caused by Citrin Deficiency (NICCD). Identifiers: Orphanet 247598, MedGen C1853942, MONDO:0011601, OMIM 605814.

Submissions (3):

Fulgent Genetics
Classification: Likely pathogenic for Citrullinemia, type II, adult-onset; Neonatal intrahepatic cholestasis due to citrin deficiency. Last evaluated: 2024-02-02. Review status: criteria provided, single submitter. Criteria: ACMG Guidelines, 2015. Collection method: clinical testing. Allele origin: germline.

Labcorp Genetics (formerly Invitae), Labcorp
Classification: Pathogenic for Citrin deficiency. Last evaluated: 2023-12-30. Review status: criteria provided, single submitter. Criteria: Invitae Variant Classification Sherloc (09022015). Collection method: clinical testing. Allele origin: germline.
Comment: This sequence change creates a premature translational stop signal (p.Val204Serfs*14) in the SLC25A13 gene. It is expected to result in an absent or disrupted protein product. Loss-of-function variants in SLC25A13 are known to be pathogenic (PMID: 10369257, 14680984, 27405544). This variant is present in population databases (rs762941850, gnomAD 0.0009%). This variant has not been reported in the literature in individuals affected with SLC25A13-related conditions. ClinVar contains an entry for this variant (Variation ID: 1458046). For these reasons, this variant has been classified as Pathogenic.

Baylor Genetics
Classification: Likely pathogenic for Citrullinemia, type II, adult-onset. Last evaluated: 2023-11-26. Review status: criteria provided, single submitter. Criteria: ACMG Guidelines, 2015. Collection method: clinical testing. Allele origin: unknown.

Literature cited by the submitters: PubMed 10369257 (cited by Labcorp Genetics (formerly Invitae), Labcorp); PubMed 14680984 (cited by Labcorp Genetics (formerly Invitae), Labcorp); PubMed 27405544 (cited by Labcorp Genetics (formerly Invitae), Labcorp).